The following is an entry in ClinVar:

ClinVar aggregate classification (germline): Uncertain significance (1 of 4 stars; one submission).

Conditions:
MHC class I deficiency. Identifiers: Orphanet 34592, MedGen C6024714, MONDO:0011476.

Allele frequency attached by ClinVar (database versions not stated): TOPMed 0.00001.
gnomAD v4.1: 30 of 1,612,820 alleles (0.0019%); highest among the groups gnomAD compares: Admixed American, 0.005%; no homozygotes.

Submission:

Labcorp Genetics (formerly Invitae), Labcorp
Classification: Uncertain significance for MHC class I deficiency 1. Last evaluated: 2021-10-21. Review status: criteria provided, single submitter. Criteria: Invitae Variant Classification Sherloc (09022015). Collection method: clinical testing. Allele origin: germline.
Comment: This sequence change replaces glycine with tryptophan at codon 307 of the TAP1 protein (p.Gly307Trp). The glycine residue is moderately conserved and there is a large physicochemical difference between glycine and tryptophan. This variant is present in population databases (rs59328013, ExAC 0.02%). This variant has not been reported in the literature in individuals affected with TAP1-related conditions. Algorithms developed to predict the effect of missense changes on protein structure and function are either unavailable or do not agree on the potential impact of this missense change (SIFT: "Deleterious"; PolyPhen-2: "Probably Damaging"; Align-GVGD: "Class C0"). In summary, the available evidence is currently insufficient to determine the role of this variant in disease. Therefore, it has been classified as a Variant of Uncertain Significance.

NM_000593.6(TAP1):c.739G>T (p.Gly247Trp)

Gene: TAP1 (transporter 1, ATP binding cassette subfamily B member; minus strand). Cytogenetic location: 6p21.32.
Variant type: single nucleotide variant.
Coding change: c.739G>T on transcript NM_000593.6 (MANE Select); coding-DNA position 739, G replaced by T.
Protein change: p.Gly247Trp; replaces glycine 247 with tryptophan.
Molecular consequence: missense variant.
Genome position (GRCh38, 1-based): chr6:32,852,214, C>A on the plus strand (G>T on the coding strand, the complement: TAP1 is on the minus strand). VCF-style: chr6-32852214-C-A. GRCh37 (hg19) VCF-style: chr6-32819991-C-A.
Other names: c.136G>T, p.Gly46Trp (NM_001292022.2); short protein forms G247W, G46W.
Identifiers: ClinVar variation 940867 (VCV000940867.5), dbSNP rs59328013, ClinGen allele CA3746941.